The following is an entry in ClinVar:

NM_006306.4(SMC1A):c.2508C>A (p.His836Gln)

Gene: SMC1A (structural maintenance of chromosomes 1A; minus strand). Cytogenetic location: Xp11.22.
Variant type: single nucleotide variant.
Coding change: c.2508C>A on transcript NM_006306.4 (MANE Select); coding-DNA position 2508, C replaced by A.
Protein change: p.His836Gln; replaces histidine 836 with glutamine.
Molecular consequence: missense variant.
Genome position (GRCh38, 1-based): chrX:53,399,643, G>T on the plus strand (C>A on the coding strand, the complement: SMC1A is on the minus strand). VCF-style: chrX-53399643-G-T. GRCh37 (hg19) VCF-style: chrX-53426565-G-T.
Other names: c.2442C>A, p.His814Gln (NM_001281463.1); short protein forms H814Q, H836Q.
Identifiers: ClinVar variation 1674025 (VCV001674025.10), dbSNP rs904926146, ClinGen allele CA329907017.
Genomic context (GRCh38, chrX:53,399,643, plus strand): 5'-CCTTACCTTTTTGAGCTTTTCTATCTCATTTTCATCTTTTTTCACTGTCTGCTCCCACAT[G>T]TGTACTTTATCTTGGTCCTCCTTCAGTTGGTTCTTTTCAAAATCCAACTGAATGCCCAAG-3'
Protein context (NP_006297.2, residues 826-846): NQLKEDQDKV[His836Gln]MWEQTVKKDE

ClinVar aggregate classification (germline): Conflicting classifications of pathogenicity. Review status: criteria provided, conflicting classifications (1 of 4 stars). 2 submissions from 2 submitters: Uncertain significance (1); Likely benign (1). Last evaluated 2024-07-19.

Conditions:
Congenital muscular hypertrophy-cerebral syndrome (CDLS2). Also called: Cornelia de Lange syndrome 2; SMC1A-Related Cornelia de Lange Syndrome. Identifiers: Orphanet 199, MedGen C1802395, MONDO:0010370, OMIM 300590.
Inborn genetic diseases. Identifiers: MedGen C0950123, MeSH D030342.

Allele frequency attached by ClinVar (database versions not stated): gnomAD exomes 0.00001 and 0.00003; TOPMed 0.00002.

Submissions (2):

Labcorp Genetics (formerly Invitae), Labcorp
Classification: Likely benign for Congenital muscular hypertrophy-cerebral syndrome. Last evaluated: 2024-07-19. Review status: criteria provided, single submitter. Criteria: Invitae Variant Classification Sherloc (09022015). Collection method: clinical testing. Allele origin: germline.

Ambry Genetics
Classification: Uncertain significance for Inborn genetic diseases. Last evaluated: 2018-09-10. Review status: criteria provided, single submitter. Criteria: Ambry Variant Classification Scheme 2023. Collection method: clinical testing. Allele origin: germline.
Comment: The p.H836Q variant (also known as c.2508C>A), located in coding exon 16 of the SMC1A gene, results from a C to A substitution at nucleotide position 2508. The histidine at codon 836 is replaced by glutamine, an amino acid with highly similar properties. This amino acid position is highly conserved through mammals but not in all available vertebrate species. In addition, this alteration is predicted to be tolerated by in silico analysis. Since supporting evidence is limited at this time, the clinical significance of this alteration remains unclear.